The following is an entry in ClinVar:

NM_001278716.2(FBXL4):c.827_830dup (p.Asn277delinsLysTer)

Gene: FBXL4 (F-box and leucine rich repeat protein 4; minus strand). Cytogenetic location: 6q16.2.
Variant type: Duplication.
Coding change: c.827_830dup on transcript NM_001278716.2 (MANE Select); coding-DNA positions 827 to 830, 4 bases duplicated (ATAA; older notation c.827_830dupATAA).
Protein change: p.Asn277delinsLysTer.
Molecular consequence: nonsense.
Genome position (GRCh38, 1-based): chr6:98,917,402-98,917,405, TTAT duplicated on the plus strand (ATAA on the coding strand, the reverse complement: FBXL4 is on the minus strand); duplicating any 4 consecutive bases within chr6:98,917,402-98,917,407 gives the same sequence; the c. name uses the placement nearest the transcript's 3' end. VCF-style (leftmost placement, unchanged base first): chr6-98917401-A-ATTAT. GRCh37 (hg19) VCF-style: chr6-99365277-A-ATTAT.
Other names: c.827_830dup, p.Asn277delinsLysTer (NM_012160.5).
Identifiers: ClinVar variation 4775712 (VCV004775712.1).
Genomic context (GRCh38, chr6:98,917,401, plus strand): 5'-ATCCAATACTGCTGCTAAATATTTTTGGCTTACCTCATAAGGTAGTTTATCAAAATACCC[A>ATTAT]TTATTTGGCCCTTCCCCGAGGACAGCACTGCTAAACTTTTTGTTAAGACTGTCCATTCCA-3'

ClinVar aggregate classification (germline): Pathogenic (1 of 4 stars; one submission).

Submission:

Labcorp Genetics (formerly Invitae), Labcorp
Classification: Pathogenic. Last evaluated: 2025-09-29. Review status: criteria provided, single submitter. Criteria: Invitae Variant Classification Sherloc (09022015). Collection method: clinical testing. Allele origin: germline.
Comment: This sequence change creates a premature translational stop signal (p.Asn277delinsLys*) in the FBXL4 gene. It is expected to result in an absent or disrupted protein product. Loss-of-function variants in FBXL4 are known to be pathogenic (PMID: 23993193, 23993194, 25868664). This variant is not present in population databases (gnomAD no frequency). This variant has not been reported in the literature in individuals affected with FBXL4-related conditions. Algorithms developed to predict the effect of sequence changes on RNA splicing suggest that this variant may disrupt the consensus splice site. For these reasons, this variant has been classified as Pathogenic.

Literature cited by the submitters: PubMed 23993193; PubMed 23993194; PubMed 25868664.